The following is an entry in ClinVar:

ClinVar aggregate classification (germline): Uncertain significance (1 of 4 stars; one submission).

Conditions:
Leigh syndrome (NULS). Also called: Leigh's necrotizing encephalopathy; Leigh's disease; Leigh Syndrome (mtDNA deletion); Leigh Disease; Subacute necrotizing encephalopathy; Necrotizing encephalopathy infantile subacute of Leigh. Identifiers: Orphanet 506, MedGen C2931891, MONDO:0009723, OMIM 256000.

Submission:

Wong Mito Lab, Molecular and Human Genetics, Baylor College of Medicine
Classification: Uncertain significance for Leigh syndrome. Last evaluated: 2019-10-17. Review status: criteria provided, single submitter. Criteria: Modified ACMG Guidelines (Unpublished). Collection method: clinical testing. Allele origin: germline.
Comment: The NC_012920.1:m.4554A>G (YP_003024027.1:p.Thr29Ala) variant in MTND2 gene is interpretated to be a Uncertain Significance variant based on the modified ACMG guidelines (unpublished). This variant meets the following evidence codes: BP4

NC_012920.1(MT-ND2):m.4554A>G

Gene: MT-ND2 (mitochondrially encoded NADH dehydrogenase 2; plus strand).
Variant type: single nucleotide variant.
Genome position: chrM-4554-A-G.
Identifiers: ClinVar variation 692461 (VCV000692461.1), dbSNP rs1603219508, ClinGen allele CA414774728.